The following is an entry in ClinVar:

NM_016247.4(IMPG2):c.1185T>A (p.Asp395Glu)

Gene: IMPG2 (interphotoreceptor matrix proteoglycan 2; minus strand). Cytogenetic location: 3q12.3.
Variant type: single nucleotide variant.
Coding change: c.1185T>A on transcript NM_016247.4 (MANE Select); coding-DNA position 1185, T replaced by A.
Protein change: p.Asp395Glu; replaces aspartic acid 395 with glutamic acid.
Molecular consequence: missense variant.
Genome position (GRCh38, 1-based): chr3:101,253,750, A>T on the plus strand (T>A on the coding strand, the complement: IMPG2 is on the minus strand). VCF-style: chr3-101253750-A-T. GRCh37 (hg19) VCF-style: chr3-100972594-A-T.
Other names: short protein forms D395E.
Identifiers: ClinVar variation 960809 (VCV000960809.9), dbSNP rs150515738, ClinGen allele CA79733162.
Genomic context (GRCh38, chr3:101,253,750, plus strand): 5'-ACATACCAGAATAGATGACGGCGTTGCCTGAAGACTTGAACTTTGGGTGTTCCAAACTAG[A>T]TCTTCAGTTTGGTGACGCAAAACTCCTCTCACTGAGGAAAGAACAATATTAAAGAACATT-3'
Protein context (NP_057331.2, residues 385-405): VRGVLRHQTE[Asp395Glu]LVWNTQSSSL

ClinVar aggregate classification (germline): Uncertain significance. Review status: criteria provided, multiple submitters, no conflicts (2 of 4 stars). 2 submissions from 2 submitters: Uncertain significance (2). Last evaluated 2025-08-26.

Conditions:
Inborn genetic diseases. Identifiers: MedGen C0950123, MeSH D030342.

Allele frequency attached by ClinVar (database versions not stated): gnomAD exomes below 0.00001; gnomAD 0.00001; TOPMed 0.00002; ESP Exome Variant Server 0.00008.
gnomAD v4.1: 15 of 1,611,678 alleles (0.00093%); highest among the groups gnomAD compares: Admixed American, 0.0017%; no homozygotes.

Submissions (2):

Ambry Genetics
Classification: Uncertain significance for Inborn genetic diseases. Last evaluated: 2025-08-26. Review status: criteria provided, single submitter. Criteria: Ambry Variant Classification Scheme 2023. Collection method: clinical testing. Allele origin: germline.

Labcorp Genetics (formerly Invitae), Labcorp
Classification: Uncertain significance. Last evaluated: 2024-10-16. Review status: criteria provided, single submitter. Criteria: Invitae Variant Classification Sherloc (09022015). Collection method: clinical testing. Allele origin: germline.
Comment: This sequence change replaces aspartic acid, which is acidic and polar, with glutamic acid, which is acidic and polar, at codon 395 of the IMPG2 protein (p.Asp395Glu). This variant is present in population databases (rs150515738, gnomAD no frequency). This variant has not been reported in the literature in individuals affected with IMPG2-related conditions. ClinVar contains an entry for this variant (Variation ID: 960809). Invitae Evidence Modeling of protein sequence and biophysical properties (such as structural, functional, and spatial information, amino acid conservation, physicochemical variation, residue mobility, and thermodynamic stability) indicates that this missense variant is not expected to disrupt IMPG2 protein function with a negative predictive value of 80%. In summary, the available evidence is currently insufficient to determine the role of this variant in disease. Therefore, it has been classified as a Variant of Uncertain Significance.